The following is an entry in ClinVar:

ClinVar aggregate classification (germline): Likely benign (1 of 4 stars; one submission).

Allele frequency attached by ClinVar (database versions not stated): 1000 Genomes Project 30x 0.00187; 1000 Genomes Project 0.00200; gnomAD 0.00260; TOPMed 0.00268; ESP Exome Variant Server 0.00329; ExAC 0.00348; gnomAD exomes 0.00406.
gnomAD v4.1: 6,045 of 1,551,240 alleles (0.39%); highest among the groups gnomAD compares: Middle Eastern, 1%; 15 homozygotes.

Submission:

CeGaT Center for Human Genetics Tuebingen
Classification: Likely benign. Last evaluated: 2023-01-01. Review status: criteria provided, single submitter. Criteria: CeGaT Center For Human Genetics Tuebingen Variant Classification Criteria Version 2. Collection method: clinical testing. Allele origin: germline. Affected: yes. Observed: 1 variant allele.
Comment: LRTM3: BP4, BS2

NM_001146197.3(LRTM3):c.17983A>G (p.Lys5995Glu)

Gene: LRTM3 (leucine rich repeat transmembrane protein 3; minus strand). Cytogenetic location: 13q33.1.
Variant type: single nucleotide variant.
Coding change: c.17983A>G on transcript NM_001146197.3 (MANE Select); coding-DNA position 17983, A replaced by G.
Protein change: p.Lys5995Glu; replaces lysine 5995 with glutamic acid.
Molecular consequence: missense variant.
Genome position (GRCh38, 1-based): chr13:102,732,714, T>C on the plus strand (A>G on the coding strand, the complement: LRTM3 is on the minus strand). VCF-style: chr13-102732714-T-C. GRCh37 (hg19) VCF-style: chr13-103385064-T-C.
Other names: short protein forms K5995E.
Identifiers: ClinVar variation 2643904 (VCV002643904.24), dbSNP rs200932361, ClinGen allele CA7038845.